The following is an entry in ClinVar:

NM_006245.4(PPP2R5D):c.1251+5G>A

Gene: PPP2R5D (protein phosphatase 2 regulatory subunit B'delta; plus strand). Cytogenetic location: 6p21.1.
Variant type: single nucleotide variant.
Coding change: c.1251+5G>A on transcript NM_006245.4 (MANE Select); 5 bases into the intron after coding-DNA position 1251, G replaced by A.
Molecular consequence: intron variant.
Genome position (GRCh38, 1-based): chr6:43,009,232, G>A. VCF-style: chr6-43009232-G-A. GRCh37 (hg19) VCF-style: chr6-42976970-G-A.
Other names: c.798+5G>A (NM_001270476.2); c.1155+5G>A (NM_180976.3); c.933+5G>A (NM_180977.3).
Identifiers: ClinVar variation 1947884 (VCV001947884.5), dbSNP rs2532484648, ClinGen allele CA2580074579.

ClinVar aggregate classification (germline): Uncertain significance (1 of 4 stars; one submission).

Submission:

Labcorp Genetics (formerly Invitae), Labcorp
Classification: Uncertain significance. Last evaluated: 2022-02-05. Review status: criteria provided, single submitter. Criteria: Invitae Variant Classification Sherloc (09022015). Collection method: clinical testing. Allele origin: germline.
Comment: This sequence change falls in intron 11 of the PPP2R5D gene. It does not directly change the encoded amino acid sequence of the PPP2R5D protein. It affects a nucleotide within the consensus splice site. This variant is not present in population databases (gnomAD no frequency). This variant has not been reported in the literature in individuals affected with PPP2R5D-related conditions. Variants that disrupt the consensus splice site are a relatively common cause of aberrant splicing (PMID: 17576681, 9536098). Algorithms developed to predict the effect of sequence changes on RNA splicing suggest that this variant may disrupt the consensus splice site. In summary, the available evidence is currently insufficient to determine the role of this variant in disease. Therefore, it has been classified as a Variant of Uncertain Significance.

Literature cited by the submitters: PubMed 17576681; PubMed 9536098.